The following is an entry in ClinVar:

ClinVar aggregate classification (germline): Conflicting classifications of pathogenicity. Review status: criteria provided, conflicting classifications (1 of 4 stars). 2 submissions from 2 submitters: Likely pathogenic (1); Uncertain significance (1). Last evaluated 2024-12-09.

Conditions:
Treacher Collins syndrome 3 (TCS3). Also called: POLR1C-Related Treacher Collins Syndrome. Identifiers: Orphanet 861, MedGen C1855433, MONDO:0009558, OMIM 248390.
Leukodystrophy, hypomyelinating, 11. Identifiers: Orphanet 88637, MedGen C4225305, MONDO:0014666, OMIM 616494.

Allele frequency attached by ClinVar (database versions not stated): ExAC 0.00002.
gnomAD v4.1: 19 of 1,613,830 alleles (0.0012%); highest among the groups gnomAD compares: East Asian, 0.0045%; no homozygotes.

Submissions (2):

Labcorp Genetics (formerly Invitae), Labcorp
Classification: Uncertain significance. Last evaluated: 2024-12-09. Review status: criteria provided, single submitter. Criteria: Invitae Variant Classification Sherloc (09022015). Collection method: clinical testing. Allele origin: germline.
Comment: This sequence change replaces arginine, which is basic and polar, with tryptophan, which is neutral and slightly polar, at codon 301 of the POLR1C protein (p.Arg301Trp). This variant is present in population databases (rs756072030, gnomAD 0.006%). This missense change has been observed in individuals with hypomyelinating leukodystrophy (PMID: 33176815, 33597727). ClinVar contains an entry for this variant (Variation ID: 1903135). Invitae Evidence Modeling of protein sequence and biophysical properties (such as structural, functional, and spatial information, amino acid conservation, physicochemical variation, residue mobility, and thermodynamic stability) indicates that this missense variant is expected to disrupt POLR1C protein function with a positive predictive value of 80%. In summary, the available evidence is currently insufficient to determine the role of this variant in disease. Therefore, it has been classified as a Variant of Uncertain Significance.

Fulgent Genetics
Classification: Likely pathogenic for Treacher Collins syndrome 3; Leukodystrophy, hypomyelinating, 11. Last evaluated: 2024-01-28. Review status: criteria provided, single submitter. Criteria: ACMG Guidelines, 2015. Collection method: clinical testing. Allele origin: germline.

Literature cited by the submitters: PubMed 33176815 (cited by Labcorp Genetics (formerly Invitae), Labcorp); PubMed 33597727 (cited by Labcorp Genetics (formerly Invitae), Labcorp).

NM_203290.4(POLR1C):c.901C>T (p.Arg301Trp)

Gene: POLR1C (RNA polymerase I and III subunit C; plus strand). Cytogenetic location: 6p21.1.
Variant type: single nucleotide variant.
Coding change: c.901C>T on transcript NM_203290.4 (MANE Select); coding-DNA position 901, C replaced by T.
Protein change: p.Arg301Trp; replaces arginine 301 with tryptophan.
Molecular consequence: missense variant.
Genome position (GRCh38, 1-based): chr6:43,521,027, C>T. VCF-style: chr6-43521027-C-T. GRCh37 (hg19) VCF-style: chr6-43488765-C-T.
Other names: c.901C>T, p.Arg301Trp (NM_001318876.2, NM_001363658.2); short protein forms R301W.
Identifiers: ClinVar variation 1903135 (VCV001903135.6), dbSNP rs756072030, ClinGen allele CA3825614.